The following is an entry in ClinVar:

ClinVar aggregate classification (germline): Benign (1 of 4 stars; one submission).

gnomAD v4.1: 972 of 1,613,022 alleles (0.06%); highest among the groups gnomAD compares: South Asian, 0.92%; 17 homozygotes.

Submission:

Mayo Clinic Laboratories, Mayo Clinic
Classification: Benign. Last evaluated: 2024-05-08. Review status: criteria provided, single submitter. Criteria: ACMG Guidelines, 2015. Collection method: clinical testing. Allele origin: germline. Observed: 2 variant alleles.
Comment: BS1, BS2, BP4, BP7

NM_001377137.1(GBF1):c.2847G>A (p.Glu949=)

Gene: GBF1 (golgi brefeldin A resistant guanine nucleotide exchange factor 1; plus strand). Cytogenetic location: 10q24.32.
Variant type: single nucleotide variant.
Coding change: c.2847G>A on transcript NM_001377137.1 (MANE Select); coding-DNA position 2847, G replaced by A.
Protein change: p.Glu949=; no amino-acid change (glutamic acid 949 retained).
Molecular consequence: synonymous variant. On other transcripts: non-coding transcript variant (5), intron variant (1).
Genome position (GRCh38, 1-based): chr10:102,368,422, G>A. VCF-style: chr10-102368422-G-A. GRCh37 (hg19) VCF-style: chr10-104128179-G-A.
Other names: p.Glu948=; c.2847G>A, p.Glu949= (NM_001199378.2, NM_001391923.1); c.2844G>A, p.Glu948= (NM_001199379.2, NM_001377141.1, NM_001391924.1 and 3 more transcripts); c.2808G>A, p.Glu936= (NM_001377138.1, NM_001391925.1); c.2550G>A, p.Glu850= (NM_001377139.1, NM_001377140.1); c.2943G>A, p.Glu981= (NM_001391922.1, NM_001411027.1); c.2811G>A, p.Glu937= (NM_001391926.1); c.2703G>A, p.Glu901= (NM_001391928.1); and 3 more.
Identifiers: ClinVar variation 4683549 (VCV004683549.1).
Genomic context (GRCh38, chr10:102,368,422, plus strand): 5'-CATGACCTGGGGCCCCACTATTGCTGCTCTCTCTTATGTCTTTGACAAAAGCCTTGAGGA[G>A]ACAATCATCCAGAAAGCCATCTCAGGCTTCAGGTAGCCCAGCTTTGGCCTTGGTCTTCAC-3'
Protein context (NP_001364066.1, residues 939-959): LSYVFDKSLE[Glu949=]TIIQKAISGF